The following is an entry in ClinVar:

NM_006939.4(SOS2):c.3707C>T (p.Pro1236Leu)

Gene: SOS2 (SOS Ras/Rho guanine nucleotide exchange factor 2; minus strand). Cytogenetic location: 14q21.3.
Variant type: single nucleotide variant.
Coding change: c.3707C>T on transcript NM_006939.4 (MANE Select); coding-DNA position 3707, C replaced by T.
Protein change: p.Pro1236Leu; replaces proline 1236 with leucine.
Molecular consequence: missense variant.
Genome position (GRCh38, 1-based): chr14:50,118,636, G>A on the plus strand (C>T on the coding strand, the complement: SOS2 is on the minus strand). VCF-style: chr14-50118636-G-A. GRCh37 (hg19) VCF-style: chr14-50585354-G-A.
Other names: short protein forms P1236L.
Identifiers: ClinVar variation 1384708 (VCV001384708.8), dbSNP rs1403796339, ClinGen allele CA389638147.

ClinVar aggregate classification (germline): Uncertain significance (1 of 4 stars; one submission).

Conditions:
Noonan syndrome 9 (NS9). Identifiers: Orphanet 648, MedGen C4225282, MONDO:0014691, OMIM 616559.

Allele frequency attached by ClinVar (database versions not stated): gnomAD exomes below 0.00001.
gnomAD v4.1: 2 of 1,614,082 alleles (0.00012%); highest among the groups gnomAD compares: South Asian, 0.0022%; no homozygotes.

Submission:

Labcorp Genetics (formerly Invitae), Labcorp
Classification: Uncertain significance for Noonan syndrome 9. Last evaluated: 2021-04-04. Review status: criteria provided, single submitter. Criteria: Invitae Variant Classification Sherloc (09022015). Collection method: clinical testing. Allele origin: germline.
Comment: This variant is not present in population databases (ExAC no frequency). This sequence change replaces proline with leucine at codon 1236 of the SOS2 protein (p.Pro1236Leu). The proline residue is highly conserved and there is a moderate physicochemical difference between proline and leucine. This variant has not been reported in the literature in individuals with SOS2-related conditions. Advanced modeling of protein sequence and biophysical properties (such as structural, functional, and spatial information, amino acid conservation, physicochemical variation, residue mobility, and thermodynamic stability) performed at Invitae indicates that this missense variant is not expected to disrupt SOS2 protein function. In summary, the available evidence is currently insufficient to determine the role of this variant in disease. Therefore, it has been classified as a Variant of Uncertain Significance.